The following is an entry in ClinVar:

NM_000179.3(MSH6):c.3355G>A (p.Glu1119Lys)

Gene: MSH6 (mutS homolog 6; plus strand). Cytogenetic location: 2p16.3.
Variant type: single nucleotide variant.
Coding change: c.3355G>A on transcript NM_000179.3 (MANE Select); coding-DNA position 3355, G replaced by A.
Protein change: p.Glu1119Lys; replaces glutamic acid 1119 with lysine.
Molecular consequence: missense variant.
Genome position (GRCh38, 1-based): chr2:47,803,602, G>A. VCF-style: chr2-47803602-G-A. GRCh37 (hg19) VCF-style: chr2-48030741-G-A.
Other names: c.2965G>A, p.Glu989Lys (NM_001281492.2); c.2449G>A, p.Glu817Lys (NM_001281493.2, NM_001281494.2); short protein forms E1119K, E817K, E989K.
Identifiers: ClinVar variation 428424 (VCV000428424.5), dbSNP rs267608084, ClinGen allele CA346758765.

ClinVar aggregate classification (germline): Uncertain significance (1 of 4 stars; one submission).

Conditions:
Hereditary cancer-predisposing syndrome. Also called: Hereditary Cancer Syndrome; Neoplastic Syndromes, Hereditary; Hereditary neoplastic syndrome; Tumor predisposition. Identifiers: Orphanet 140162, MedGen C0027672, MeSH D009386, MONDO:0015356.

Allele frequency attached by ClinVar (database versions not stated): gnomAD exomes below 0.00001.
gnomAD v4.1: 1 of 1,614,182 alleles (0.000062%); no homozygotes.

Submission:

Ambry Genetics
Classification: Uncertain significance for Hereditary cancer-predisposing syndrome. Last evaluated: 2016-06-16. Review status: criteria provided, single submitter. Criteria: Ambry Variant Classification Scheme 2023. Collection method: clinical testing. Allele origin: germline.
Comment: The p.E1119K variant (also known as c.3355G>A), located in coding exon 5 of the MSH6 gene, results from a G to A substitution at nucleotide position 3355. The glutamic acid at codon 1119 is replaced by lysine, an amino acid with similar properties. This variant was not reported in population based cohorts in the following databases: Database of Single Nucleotide Polymorphisms (dbSNP), NHLBI Exome Sequencing Project (ESP), and 1000 Genomes Project. In the ESP, this variant was not observed in 6503 samples (13006 alleles) with coverage at this position. To date, this alteration has been detected with an allele frequency of approximately 0.001% (greater than 150000 alleles tested) in our clinical cohort. This amino acid position is highly conserved through mammals but not in all available vertebrate species. In addition, the in silico prediction for this alteration is inconclusive. In addition, the CoDP in silico tool predicts this alteration to have minor impact on molecular function, with a score of 0.01 (Terui H et al. J. Biomed. Sci. 2013;20:25). Since supporting evidence is limited at this time, the clinical significance of this alteration remains unclear.